The following is an entry in ClinVar:

NM_001330260.2(SCN8A):c.4636C>G (p.Gln1546Glu)

Gene: SCN8A (sodium voltage-gated channel alpha subunit 8; plus strand). Cytogenetic location: 12q13.13.
Variant type: single nucleotide variant.
Coding change: c.4636C>G on transcript NM_001330260.2 (MANE Select); coding-DNA position 4636, C replaced by G.
Protein change: p.Gln1546Glu; replaces glutamine 1546 with glutamic acid.
Molecular consequence: missense variant.
Genome position (GRCh38, 1-based): chr12:51,794,482, C>G. VCF-style: chr12-51794482-C-G. GRCh37 (hg19) VCF-style: chr12-52188266-C-G.
Other names: c.4636C>G (NM_014191.3); c.4513C>G, p.Gln1505Glu (NM_001177984.3, NM_001369788.1); c.4636C>G, p.Gln1546Glu (NM_014191.4); short protein forms Q1505E, Q1546E.
Identifiers: ClinVar variation 1376402 (VCV001376402.7), dbSNP rs1020370285, ClinGen allele CA236318837.

ClinVar aggregate classification (germline): Uncertain significance. Review status: criteria provided, multiple submitters, no conflicts (2 of 4 stars). 2 submissions from 2 submitters: Uncertain significance (2). Last evaluated 2022-11-04.

Conditions:
SCN8A-related disorder.
Early-infantile DEE. Also called: Early infantile epileptic encephalopathy with suppression bursts; Early infantile epileptic encephalopathy; Ohtahara syndrome. Identifiers: Orphanet 1934, MedGen C0393706, MONDO:0800491.

Allele frequency attached by ClinVar (database versions not stated): TOPMed below 0.00001.

Submissions (2):

PreventionGenetics, part of Exact Sciences
Classification: Uncertain significance for SCN8A-related condition. Last evaluated: 2022-11-04. Review status: criteria provided, single submitter. Criteria: ACMG Guidelines, 2015. Collection method: clinical testing. Allele origin: germline.
Comment: The SCN8A c.4636C>G variant is predicted to result in the amino acid substitution p.Gln1546Glu. To our knowledge, this variant has not been reported in the literature or in a large population database, indicating this variant is rare. At this time, the clinical significance of this variant is uncertain due to the absence of conclusive functional and genetic evidence.

Labcorp Genetics (formerly Invitae), Labcorp
Classification: Uncertain significance for Early-infantile DEE. Last evaluated: 2022-07-06. Review status: criteria provided, single submitter. Criteria: Invitae Variant Classification Sherloc (09022015). Collection method: clinical testing. Allele origin: germline.
Comment: In summary, the available evidence is currently insufficient to determine the role of this variant in disease. Therefore, it has been classified as a Variant of Uncertain Significance. Algorithms developed to predict the effect of missense changes on protein structure and function are either unavailable or do not agree on the potential impact of this missense change (SIFT: "Deleterious"; PolyPhen-2: "Benign"; Align-GVGD: "Class C0"). ClinVar contains an entry for this variant (Variation ID: 1376402). This missense change has been observed in individual(s) with clinical features of SCN8A-related conditions (Invitae). This variant is not present in population databases (gnomAD no frequency). This sequence change replaces glutamine, which is neutral and polar, with glutamic acid, which is acidic and polar, at codon 1546 of the SCN8A protein (p.Gln1546Glu).